The following is an entry in ClinVar:

ClinVar aggregate classification (germline): Uncertain significance (1 of 4 stars; one submission).

Conditions:
Duchenne muscular dystrophy (DMD). Also called: MUSCULAR DYSTROPHY, PSEUDOHYPERTROPHIC PROGRESSIVE, DUCHENNE TYPE; Duchenne Muscular Dystrophy (DMD). Identifiers: Orphanet 98896, MedGen C0013264, MONDO:0010679, OMIM 310200.

Submission:

Labcorp Genetics (formerly Invitae), Labcorp
Classification: Uncertain significance for Duchenne muscular dystrophy. Last evaluated: 2021-04-23. Review status: criteria provided, single submitter. Criteria: Invitae Variant Classification Sherloc (09022015). Collection method: clinical testing. Allele origin: germline.
Comment: This sequence change falls in intron 4 of the DMD gene. It does not directly change the encoded amino acid sequence of the DMD protein. It affects a nucleotide within the consensus splice site of the intron. This variant is not present in population databases (ExAC no frequency). This variant has been reported in individuals in the Leiden Open-source Variation Database (PMID: 16770791). Nucleotide substitutions within the consensus splice site are a relatively common cause of aberrant splicing (PMID: 17576681, 9536098). Algorithms developed to predict the effect of sequence changes on RNA splicing suggest that this variant may disrupt the consensus splice site, but this prediction has not been confirmed by published transcriptional studies. In summary, the available evidence is currently insufficient to determine the role of this variant in disease. Therefore, it has been classified as a Variant of Uncertain Significance.

Literature cited by the submitters: PubMed 16770791; PubMed 17576681; PubMed 9536098.

NM_004006.3(DMD):c.264+3A>T

Gene: DMD (dystrophin; minus strand). Cytogenetic location: Xp21.1.
Variant type: single nucleotide variant.
Coding change: c.264+3A>T on transcript NM_004006.3 (MANE Select); 3 bases into the intron after coding-DNA position 264, A replaced by T.
Molecular consequence: intron variant.
Genome position (GRCh38, 1-based): chrX:32,844,780, T>A on the plus strand (A>T on the coding strand, the complement: DMD is on the minus strand). VCF-style: chrX-32844780-T-A. GRCh37 (hg19) VCF-style: chrX-32862897-T-A.
Other names: c.240+3A>T (NM_000109.4); c.252+3A>T (NM_004009.3); c.-106+3A>T (NM_004010.3).
Identifiers: ClinVar variation 1389678 (VCV001389678.8), dbSNP rs748003531, ClinGen allele CA2573158708.